The following is an entry in ClinVar:

NM_003922.4(HERC1):c.2521-1G>T

Gene: HERC1 (HECT and RLD domain containing E3 ubiquitin protein ligase family member 1; minus strand). Cytogenetic location: 15q22.31.
Variant type: single nucleotide variant.
Coding change: c.2521-1G>T on transcript NM_003922.4 (MANE Select); the canonical splice acceptor site of the intron before coding-DNA position 2521, G replaced by T.
Molecular consequence: splice acceptor variant.
Genome position (GRCh38, 1-based): chr15:63,734,850, C>A on the plus strand (G>T on the coding strand, the complement: HERC1 is on the minus strand). VCF-style: chr15-63734850-C-A. GRCh37 (hg19) VCF-style: chr15-64027049-C-A.
Identifiers: ClinVar variation 4728191 (VCV004728191.1).
Genomic context (GRCh38, chr15:63,734,850, plus strand): 5'-CCGTTCTCGTAATGGAGGTAACAGCATGGTTGCTCCCACTGATAAAGTTTCAATTACCAC[C>A]TAATATCAAAAGAGAAAAGTATACTGATTGGCCTGGTTCTTAGTTTTTAATAAAAACACA-3'

ClinVar aggregate classification (germline): Likely pathogenic (1 of 4 stars; one submission).

Submission:

Labcorp Genetics (formerly Invitae), Labcorp
Classification: Likely pathogenic. Last evaluated: 2025-09-30. Review status: criteria provided, single submitter. Criteria: Invitae Variant Classification Sherloc (09022015). Collection method: clinical testing. Allele origin: germline.
Comment: This sequence change affects an acceptor splice site in intron 12 of the HERC1 gene. It is expected to disrupt RNA splicing. Variants that disrupt the donor or acceptor splice site typically lead to a loss of protein function (PMID: 16199547), and loss-of-function variants in HERC1 are known to be pathogenic (PMID: 26138117, 26153217, 27108999). This variant is not present in population databases (gnomAD no frequency). This variant has not been reported in the literature in individuals affected with HERC1-related conditions. Algorithms developed to predict the effect of sequence changes on RNA splicing suggest that this variant may disrupt the consensus splice site. In summary, the currently available evidence indicates that the variant is pathogenic, but additional data are needed to prove that conclusively. Therefore, this variant has been classified as Likely Pathogenic.

Literature cited by the submitters: PubMed 16199547; PubMed 26138117; PubMed 26153217; PubMed 27108999.